The following is an entry in ClinVar:

ClinVar aggregate classification (germline): Uncertain significance. Review status: criteria provided, multiple submitters, no conflicts (2 of 4 stars). 2 submissions from 2 submitters: Uncertain significance (2). Last evaluated 2024-05-13.

Conditions:
Inborn genetic diseases. Identifiers: MedGen C0950123, MeSH D030342.

Allele frequency attached by ClinVar (database versions not stated): TOPMed 0.00043; gnomAD 0.00046; ESP Exome Variant Server 0.00069.
gnomAD v4.1: 1,321 of 1,614,024 alleles (0.082%); highest among the groups gnomAD compares: Non-Finnish European, 0.11%; no homozygotes.

Submissions (2):

Ambry Genetics
Classification: Uncertain significance for Inborn genetic diseases. Last evaluated: 2024-05-13. Review status: criteria provided, single submitter. Criteria: Ambry Variant Classification Scheme 2023. Collection method: clinical testing. Allele origin: germline.

Women's Health and Genetics/Laboratory Corporation of America, LabCorp
Classification: Uncertain significance. Last evaluated: 2024-04-12. Review status: criteria provided, single submitter. Criteria: LabCorp Variant Classification Summary - May 2015. Collection method: clinical testing. Allele origin: germline.
Comment: Variant summary: DDX11 c.1696A>G (p.Ile566Val) results in a conservative amino acid change in the encoded protein sequence. Four of five in-silico tools predict a benign effect of the variant on protein function. The variant allele was found at a frequency of 0.00082 in 1614024 control chromosomes. To our knowledge, no occurrence of c.1696A>G in individuals affected with Warsaw Breakage Syndrome and no experimental evidence demonstrating its impact on protein function have been reported. ClinVar contains an entry for this variant (Variation ID: 2279306). Based on the evidence outlined above, the variant was classified as uncertain significance.

NM_030653.4(DDX11):c.1696A>G (p.Ile566Val)

Gene: DDX11 (DEAD/H-box helicase 11; plus strand). Cytogenetic location: 12p11.21.
Variant type: single nucleotide variant.
Coding change: c.1696A>G on transcript NM_030653.4 (MANE Select); coding-DNA position 1696, A replaced by G.
Protein change: p.Ile566Val; replaces isoleucine 566 with valine.
Molecular consequence: missense variant.
Genome position (GRCh38, 1-based): chr12:31,096,924, A>G. VCF-style: chr12-31096924-A-G. GRCh37 (hg19) VCF-style: chr12-31249858-A-G.
Other names: c.1696A>G, p.Ile566Val (NM_001257144.2, NM_001413692.1, NM_001413693.1 and 5 more transcripts); c.1618A>G, p.Ile540Val (NM_001257145.2, NM_001413697.1, NM_001413698.1 and 1 more transcripts); c.1609A>G, p.Ile537Val (NM_001413700.1); c.1168A>G, p.Ile390Val (NM_001413702.1, NM_001413703.1); c.835A>G, p.Ile279Val (NM_001413704.1, NM_001413705.1); c.730A>G, p.Ile244Val (NM_001413706.1); short protein forms I537V, I279V, I390V, I244V, I540V, I566V.
Identifiers: ClinVar variation 2279306 (VCV002279306.4), dbSNP rs142312636, ClinGen allele CA6501455.